The following is an entry in ClinVar:

NM_024996.7(GFM1):c.1186C>T (p.Gln396Ter)

Gene: GFM1 (G elongation factor mitochondrial 1; plus strand). Cytogenetic location: 3q25.32.
Variant type: single nucleotide variant.
Coding change: c.1186C>T on transcript NM_024996.7 (MANE Select); coding-DNA position 1186, C replaced by T.
Protein change: p.Gln396Ter; replaces glutamine 396 with a stop codon.
Molecular consequence: nonsense. On other transcripts: non-coding transcript variant (4), intron variant (1).
Genome position (GRCh38, 1-based): chr3:158,659,024, C>T. VCF-style: chr3-158659024-C-T. GRCh37 (hg19) VCF-style: chr3-158376813-C-T.
Other names: c.1243C>T, p.Gln415Ter (NM_001308164.2); c.1186C>T, p.Gln396Ter (NM_001308166.2); c.1069C>T, p.Gln357Ter (NM_001374356.1); c.961C>T, p.Gln321Ter (NM_001374357.1); c.727C>T, p.Gln243Ter (NM_001374358.1); c.619C>T, p.Gln207Ter (NM_001374359.1, NM_001374360.1); c.502C>T, p.Gln168Ter (NM_001374361.1); c.1141-1850C>T (NM_001374355.1); and 1 more; short protein forms Q357*, Q396*, Q243*, Q321*, Q415*, Q168*, Q207*.
Identifiers: ClinVar variation 1460386 (VCV001460386.9), dbSNP rs1332636394, ClinGen allele CA355177710.

ClinVar aggregate classification (germline): Pathogenic/Likely pathogenic. Review status: criteria provided, multiple submitters, no conflicts (2 of 4 stars). 2 submissions from 2 submitters: Pathogenic (1); Likely pathogenic (1). Last evaluated 2025-12-23.

Conditions:
Hepatoencephalopathy due to combined oxidative phosphorylation defect type 1. Also called: HEPATOENCEPHALOPATHY, EARLY FATAL PROGRESSIVE. Identifiers: Orphanet 137681, MedGen C1836797, MONDO:0012191, OMIM 609060.

Allele frequency attached by ClinVar (database versions not stated): TOPMed below 0.00001.
gnomAD v4.1: 2 of 1,614,180 alleles (0.00012%); highest among the groups gnomAD compares: Non-Finnish European, 0.000085%; no homozygotes.

Submissions (2):

Natera, Inc.
Classification: Likely pathogenic for Combined oxidative phosphorylation deficiency 1. Last evaluated: 2025-12-23. Review status: criteria provided, single submitter. Criteria: Natera Variant Classification Schema (03/2026). Collection method: clinical testing. Allele origin: germline.
Comment: The c.1186C>T variant in GFM1 is a nonsense variant predicted to introduce a stop codon at amino acid 396. This variant is expected to result in nonsense mediated decay, truncation, or a dysfunctional protein product. This variant is rare in the general population with a frequency below the threshold expected for the associated phenotype(s). Given the available evidence, this variant is classified as Likely Pathogenic.

Labcorp Genetics (formerly Invitae), Labcorp
Classification: Pathogenic. Last evaluated: 2024-03-07. Review status: criteria provided, single submitter. Criteria: Invitae Variant Classification Sherloc (09022015). Collection method: clinical testing. Allele origin: germline.
Comment: This sequence change creates a premature translational stop signal (p.Gln396*) in the GFM1 gene. It is expected to result in an absent or disrupted protein product. Loss-of-function variants in GFM1 are known to be pathogenic (PMID: 16632485, 17160893). This variant is not present in population databases (gnomAD no frequency). This variant has not been reported in the literature in individuals affected with GFM1-related conditions. ClinVar contains an entry for this variant (Variation ID: 1460386). For these reasons, this variant has been classified as Pathogenic.

Literature cited by the submitters: PubMed 16632485 (cited by Labcorp Genetics (formerly Invitae), Labcorp); PubMed 17160893 (cited by Labcorp Genetics (formerly Invitae), Labcorp).